The following is an entry in ClinVar:

ClinVar aggregate classification (germline): Uncertain significance (1 of 4 stars; one submission).

Submission:

Dasa
Classification: Uncertain significance. Last evaluated: 2025-02-07. Review status: criteria provided, single submitter. Criteria: DASA Assertion Criteria. Collection method: clinical testing. Allele origin: germline.
Comment: NM_000807.4(GABRA2):c.288dup (p.Trp97Metfs*4) is a frameshift variant in GABRA2 predicted to alter the reading frame and introduce a premature termination codon. This variant is absent from population databases. The currently available literature and clinical evidence are not sufficient to establish a definitive association between this variant and the reported condition. Therefore, this variant is classified as a variant of uncertain significance.

NM_000807.4(GABRA2):c.288dup (p.Trp97fs)

Gene: GABRA2 (gamma-aminobutyric acid type A receptor subunit alpha2; minus strand). Cytogenetic location: 4p12.
Variant type: Duplication.
Coding change: c.288dup on transcript NM_000807.4 (MANE Select); coding-DNA position 288, one base duplicated (A; older notation c.288dupA).
Protein change: p.Trp97fs; shifts the reading frame from tryptophan 97.
Molecular consequence: frameshift variant.
Genome position (GRCh38, 1-based): chr4:46,312,684, T duplicated on the plus strand (A on the coding strand, the reverse complement: GABRA2 is on the minus strand); the first of 5 consecutive T bases (chr4:46,312,684-46,312,688); duplicating any one gives the same sequence. VCF-style (leftmost placement, unchanged base first): chr4-46312683-A-AT. GRCh37 (hg19) VCF-style: chr4-46314700-A-AT.
Other names: c.288dup, p.Trp97fs (NM_001377155.1, NM_001114175.3, NM_001330690.2 and 8 more transcripts); c.123dup, p.Trp42fs (NM_001286827.3, NM_001377152.1, NM_001377153.1 and 1 more transcripts); short protein forms W42fs, W97fs.
Identifiers: ClinVar variation 4886246 (VCV004886246.2).